The following is an entry in ClinVar:

ClinVar aggregate classification (germline): Uncertain significance (1 of 4 stars; one submission).

Submission:

Labcorp Genetics (formerly Invitae), Labcorp
Classification: Uncertain significance. Last evaluated: 2024-04-08. Review status: criteria provided, single submitter. Criteria: Invitae Variant Classification Sherloc (09022015). Collection method: clinical testing. Allele origin: germline.
Comment: This sequence change replaces alanine, which is neutral and non-polar, with threonine, which is neutral and polar, at codon 11 of the ARID1B protein (p.Ala11Thr). This variant is not present in population databases (gnomAD no frequency). This variant has not been reported in the literature in individuals affected with ARID1B-related conditions. Advanced modeling of protein sequence and biophysical properties (such as structural, functional, and spatial information, amino acid conservation, physicochemical variation, residue mobility, and thermodynamic stability) performed at Invitae indicates that this missense variant is not expected to disrupt ARID1B protein function with a negative predictive value of 95%. In summary, the available evidence is currently insufficient to determine the role of this variant in disease. Therefore, it has been classified as a Variant of Uncertain Significance.

NM_001374828.1(ARID1B):c.280G>A (p.Ala94Thr)

Genes: ARID1B (AT-rich interaction domain 1B; plus strand), LOC115308161 (uncharacterized LOC115308161; minus strand), LOC129997523 (ATAC-STARR-seq lymphoblastoid silent region 17710; plus strand). Cytogenetic location: 6q25.3.
Variant type: single nucleotide variant.
Coding change: c.280G>A on transcript NM_001374828.1 (MANE Select); coding-DNA position 280, G replaced by A.
Protein change: p.Ala94Thr; replaces alanine 94 with threonine.
Molecular consequence: missense variant.
Genome position (GRCh38, 1-based): chr6:156,777,960, G>A. VCF-style: chr6-156777960-G-A. GRCh37 (hg19) VCF-style: chr6-157099094-G-A.
Other names: c.280G>A, p.Ala94Thr (NM_001371656.1, NM_001374820.1, NM_017519.3); short protein forms A94T.
Identifiers: ClinVar variation 3635330 (VCV003635330.2).
Genomic context (GRCh38, chr6:156,777,960, plus strand): 5'-CACCCCCTGCTCCCCCGTCACGAACTCAACATGGCCCATAACGCGGGCGCCGCGGCCGCC[G>A]CCGGCACCCACAGCGCCAAGAGCGGCGGCTCCGAGGCGGCTCTCAAGGAGGGTGGAAGCG-3'
Protein context (NP_001361757.1, residues 84-104): MAHNAGAAAA[Ala94Thr]GTHSAKSGGS